The following is an entry in ClinVar:

NM_004444.5(EPHB4):c.381G>A (p.Thr127=)

Gene: EPHB4 (EPH receptor B4; minus strand). Cytogenetic location: 7q22.1.
Variant type: single nucleotide variant.
Coding change: c.381G>A on transcript NM_004444.5 (MANE Select); coding-DNA position 381, G replaced by A.
Protein change: p.Thr127=; no amino-acid change (threonine 127 retained).
Molecular consequence: synonymous variant.
Genome position (GRCh38, 1-based): chr7:100,823,674, C>T on the plus strand (G>A on the coding strand, the complement: EPHB4 is on the minus strand). VCF-style: chr7-100823674-C-T. GRCh37 (hg19) VCF-style: chr7-100421296-C-T.
Identifiers: ClinVar variation 1735251 (VCV001735251.5), dbSNP rs749343839, ClinGen allele CA4393319.
Genomic context (GRCh38, chr7:100,823,674, plus strand): 5'-TGTGGCTGAGCCCTGGGGGCACCCAGGTACCTTGATGTAGGGGTTCTCCATCCAGGCTGG[C>T]GTGAGGGCCGTGGCCGTGTCCGCATCGCTCTCATAGTAGAAGACGGTGAAGGTCTCCTTG-3'
Protein context (NP_004435.3, residues 117-137): ESDADTATAL[Thr127=]PAWMENPYIK

ClinVar aggregate classification (germline): Likely benign. Review status: criteria provided, multiple submitters, no conflicts (2 of 4 stars). 3 submissions from 3 submitters: Likely benign (2). 1 of the submissions does not count toward it. Last evaluated 2026-07-01.

Conditions:
Cardiovascular phenotype. Identifiers: MedGen CN230736.
EPHB4-related disorder. Also called: EPHB4-related disorders; EPHB4-related condition.

Allele frequency attached by ClinVar (database versions not stated): TOPMed 0.00005; gnomAD 0.00007.
gnomAD v4.1: 175 of 1,613,126 alleles (0.011%); highest among the groups gnomAD compares: South Asian, 0.16%; 2 homozygotes.

Submissions (3):

CeGaT Center for Human Genetics Tuebingen
Classification: Likely benign. Last evaluated: 2026-07-01. Review status: criteria provided, single submitter. Criteria: CeGaT Center For Human Genetics Tuebingen Variant Classification Criteria Version 2. Collection method: clinical testing. Allele origin: germline. Affected: yes. Observed: 1 variant allele.
Comment: EPHB4: BP4, BP7, BS1

Ambry Genetics
Classification: Likely benign for Cardiovascular phenotype. Last evaluated: 2019-08-19. Review status: criteria provided, single submitter. Criteria: Ambry Variant Classification Scheme 2023. Collection method: clinical testing. Allele origin: germline.

PreventionGenetics, part of Exact Sciences
Classification: Likely benign for EPHB4-related condition. Last evaluated: 2022-09-29. Review status: no assertion criteria provided. Collection method: clinical testing. Allele origin: germline. Not counted in ClinVar's aggregate classification.
Comment: This variant is classified as likely benign based on ACMG/AMP sequence variant interpretation guidelines (Richards et al. 2015 PMID: 25741868, with internal and published modifications).